The following is an entry in ClinVar:

ClinVar aggregate classification (germline): Uncertain significance (1 of 4 stars; one submission).

Conditions:
Inborn genetic diseases. Identifiers: MedGen C0950123, MeSH D030342.

Allele frequency attached by ClinVar (database versions not stated): gnomAD exomes below 0.00001.
gnomAD v4.1: 2 of 1,613,464 alleles (0.00012%); highest among the groups gnomAD compares: Non-Finnish European, 0.00017%; no homozygotes.

Submission:

Ambry Genetics
Classification: Uncertain significance for Inborn genetic diseases. Last evaluated: 2022-01-28. Review status: criteria provided, single submitter. Criteria: Ambry Variant Classification Scheme 2023. Collection method: clinical testing. Allele origin: germline.
Comment: The p.Q460H variant (also known as c.1380G>T), located in coding exon 10 of the BUB1B gene, results from a G to T substitution at nucleotide position 1380. The glutamine at codon 460 is replaced by histidine, an amino acid with highly similar properties. This amino acid position is conserved. In addition, this alteration is predicted to be tolerated by in silico analysis. Since supporting evidence is limited at this time, the clinical significance of this alteration remains unclear.

NM_001211.6(BUB1B):c.1380G>T (p.Gln460His)

Gene: BUB1B (BUB1 mitotic checkpoint serine/threonine kinase B; plus strand). Cytogenetic location: 15q15.1.
Variant type: single nucleotide variant.
Coding change: c.1380G>T on transcript NM_001211.6 (MANE Select); coding-DNA position 1380, G replaced by T.
Protein change: p.Gln460His; replaces glutamine 460 with histidine.
Molecular consequence: missense variant.
Genome position (GRCh38, 1-based): chr15:40,199,706, G>T. VCF-style: chr15-40199706-G-T. GRCh37 (hg19) VCF-style: chr15-40491907-G-T.
Other names: short protein forms Q460H.
Identifiers: ClinVar variation 1771283 (VCV001771283.2), dbSNP rs2542554988, ClinGen allele CA391689157.